The following is an entry in ClinVar:

ClinVar aggregate classification (germline): Uncertain significance (1 of 4 stars; one submission).

Submission:

GeneDx
Classification: Uncertain significance. Last evaluated: 2024-01-16. Review status: criteria provided, single submitter. Criteria: GeneDx Variant Classification Process June 2021. Collection method: clinical testing. Allele origin: germline. Affected: yes.
Comment: Not observed at significant frequency in large population cohorts (gnomAD); In silico analysis supports that this missense variant does not alter protein structure/function; Has not been previously published as pathogenic or benign to our knowledge

NM_133444.3(ZNF526):c.718G>A (p.Glu240Lys)

Gene: ZNF526 (zinc finger protein 526; plus strand). Cytogenetic location: 19q13.2.
Variant type: single nucleotide variant.
Coding change: c.718G>A on transcript NM_133444.3 (MANE Select); coding-DNA position 718, G replaced by A.
Protein change: p.Glu240Lys; replaces glutamic acid 240 with lysine.
Molecular consequence: missense variant.
Genome position (GRCh38, 1-based): chr19:42,225,121, G>A. VCF-style: chr19-42225121-G-A. GRCh37 (hg19) VCF-style: chr19-42729273-G-A.
Other names: c.718G>A, p.Glu240Lys (NM_001314033.3); short protein forms E240K.
Identifiers: ClinVar variation 3367762 (VCV003367762.1).
Genomic context (GRCh38, chr19:42,225,121, plus strand): 5'-TTTGACTCCCTAGAGAAAGAGGAGCGCAATGGGTTGGAGGAGGAGGAAGAGGACGATGAG[G>A]AGGATGAAGAAGATGATGAAGAGATGGAGGATGAGGAGGCCATGGCAGAGGTCGGTGATG-3'
Protein context (NP_597701.1, residues 230-250): GLEEEEEDDE[Glu240Lys]DEEDDEEMED